The following is an entry in ClinVar:

ClinVar aggregate classification (germline): Conflicting classifications of pathogenicity. Review status: criteria provided, conflicting classifications (1 of 4 stars). 2 submissions from 2 submitters: Uncertain significance (1); Likely benign (1). Last evaluated 2023-03-23.

Conditions:
Hereditary cancer-predisposing syndrome. Also called: Hereditary neoplastic syndrome; Neoplastic Syndromes, Hereditary; Tumor predisposition; Hereditary Cancer Syndrome. Identifiers: Orphanet 140162, MedGen C0027672, MeSH D009386, MONDO:0015356.
Hereditary breast ovarian cancer syndrome. Also called: Hereditary breast and/or ovarian cancer syndrome; Hereditary breast and ovarian cancer syndrome; Hereditary breast and ovarian cancer; Hereditary breast and ovarian cancer syndrome (HBOC); Breast and ovarian cancer; BRCA1- and BRCA2-Associated Hereditary Breast and Ovarian Cancer. Identifiers: Orphanet 145, MedGen C0677776, MeSH D061325, MONDO:0003582. Disease mechanism: loss of function.

Submissions (2):

University of Washington Department of Laboratory Medicine, University of Washington
Classification: Likely benign for Hereditary cancer-predisposing syndrome. Last evaluated: 2023-03-23. Review status: criteria provided, single submitter. Criteria: Dines et al. (Genet Med. 2020). Collection method: curation. Allele origin: germline.
Comment: Missense variant in a coldspot region where missense variants are very unlikely to be pathogenic (PMID:31911673).

BRCA2 exon 11 coldspot. Reclassification based on statistical prior probability.

Labcorp Genetics (formerly Invitae), Labcorp
Classification: Uncertain significance for Hereditary breast ovarian cancer syndrome. Last evaluated: 2019-06-04. Review status: criteria provided, single submitter. Criteria: Invitae Variant Classification Sherloc (09022015). Collection method: clinical testing. Allele origin: germline.
Comment: In summary, the available evidence is currently insufficient to determine the role of this variant in disease. Therefore, it has been classified as a Variant of Uncertain Significance. Algorithms developed to predict the effect of missense changes on protein structure and function are either unavailable or do not agree on the potential impact of this missense change (SIFT: "Tolerated"; PolyPhen-2: "Possibly Damaging"; Align-GVGD: "Class C0"). This variant has not been reported in the literature in individuals with BRCA2-related conditions. This variant is not present in population databases (ExAC no frequency). This sequence change replaces asparagine with threonine at codon 1657 of the BRCA2 protein (p.Asn1657Thr). The asparagine residue is moderately conserved and there is a small physicochemical difference between asparagine and threonine.

NM_000059.4(BRCA2):c.4970A>C (p.Asn1657Thr)

Gene: BRCA2 (BRCA2 DNA repair associated; plus strand). Cytogenetic location: 13q13.1.
Variant type: single nucleotide variant.
Coding change: c.4970A>C on transcript NM_000059.4 (MANE Select); coding-DNA position 4970, A replaced by C.
Protein change: p.Asn1657Thr; replaces asparagine 1657 with threonine.
Molecular consequence: missense variant.
Genome position (GRCh38, 1-based): chr13:32,339,325, A>C. VCF-style: chr13-32339325-A-C. GRCh37 (hg19) VCF-style: chr13-32913462-A-C.
Other names: short protein forms N1657T.
Identifiers: ClinVar variation 940367 (VCV000940367.11), dbSNP rs1060502382, ClinGen allele CA387783824.